The following is an entry in ClinVar:

ClinVar aggregate classification (germline): Benign. Review status: criteria provided, single submitter (1 of 4 stars). 2 submissions from 1 submitter: Benign (2). Last evaluated 2018-01-13.

Conditions:
Chondrocalcinosis 2. Also called: CALCIUM GOUT; CALCIUM PYROPHOSPHATE ARTHROPATHY; Familial calcium pyrophosphate deposition. Identifiers: Orphanet 1416, MedGen C0856830, MONDO:0007319, OMIM 118600.
Craniometaphyseal dysplasia, autosomal dominant (CMDD). Identifiers: Orphanet 1522, MedGen C1852502, MONDO:0007397, OMIM 123000.

Allele frequency attached by ClinVar (database versions not stated): gnomAD exomes 0.00007; TOPMed 0.00054; gnomAD 0.00056 and 0.00059; 1000 Genomes Project 30x 0.00125; 1000 Genomes Project 0.00160.
gnomAD v4.1: 101 of 350,128 alleles (0.029%); highest among the groups gnomAD compares: African/African-American, 0.19%; no homozygotes.

Submissions (2):

Illumina Laboratory Services, Illumina
Classification: Benign for Chondrocalcinosis 2. Last evaluated: 2018-01-13. Review status: criteria provided, single submitter. Criteria: ICSL Variant Classification Criteria 13 December 2019. Collection method: clinical testing. Allele origin: germline.
Comment: This variant was observed in the ICSL laboratory as part of a predisposition screen in an ostensibly healthy population. It had not been previously curated by ICSL or reported in the Human Gene Mutation Database (HGMD: prior to June 1st, 2018), and was therefore a candidate for classification through an automated scoring system. Utilizing variant allele frequency, disease prevalence and penetrance estimates, and inheritance mode, an automated score was calculated to assess if this variant is too frequent to cause the disease. Based on the score and internal cut-off values, a variant classified as benign is not then subjected to further curation. The score for this variant resulted in a classification of benign for this disease.

Illumina Laboratory Services, Illumina
Classification: Benign for Craniometaphyseal dysplasia, autosomal dominant. Last evaluated: 2018-01-13. Review status: criteria provided, single submitter. Criteria: ICSL Variant Classification Criteria 13 December 2019. Collection method: clinical testing. Allele origin: germline.
Comment: the same text as in the submission from Illumina Laboratory Services, Illumina above.

NM_054027.6(ANKH):c.*349A>G

Genes: ANKH (ANKH inorganic pyrophosphate transport regulator; minus strand), OTULIN (OTU deubiquitinase with linear linkage specificity; plus strand). Cytogenetic location: 5p15.2.
Variant type: single nucleotide variant.
Coding change: c.*349A>G on transcript NM_054027.6 (MANE Select); 349 bases downstream of the stop codon, A replaced by G.
Molecular consequence: 3 prime UTR variant.
Genome position (GRCh38, 1-based): chr5:14,710,848, T>C on the plus strand (A>G on the coding strand, the complement: ANKH is on the minus strand). VCF-style: chr5-14710848-T-C. GRCh37 (hg19) VCF-style: chr5-14710957-T-C.
Identifiers: ClinVar variation 351493 (VCV000351493.5), dbSNP rs146084864, ClinGen allele CA10620518.
Genomic context (GRCh38, chr5:14,710,848, plus strand): 5'-AGAGCGATGAAGGGGGACAGGAGAGTCTGTGGCCTGCTGTGCAGGGTGACCGAGGCGCGA[T>C]GGCACAGCTGCAGTCCTTTGGTTCCAAGAGGAGATTGTCCAGGGGAGGAGGACACAACGT-3'